The following is an entry in ClinVar:

NM_005334.3(HCFC1):c.4621C>T (p.Pro1541Ser)

Gene: HCFC1 (host cell factor C1; minus strand). Cytogenetic location: Xq28.
Variant type: single nucleotide variant.
Coding change: c.4621C>T on transcript NM_005334.3 (MANE Select); coding-DNA position 4621, C replaced by T.
Protein change: p.Pro1541Ser; replaces proline 1541 with serine.
Molecular consequence: missense variant.
Genome position (GRCh38, 1-based): chrX:153,952,835, G>A on the plus strand (C>T on the coding strand, the complement: HCFC1 is on the minus strand). VCF-style: chrX-153952835-G-A. GRCh37 (hg19) VCF-style: chrX-153218286-G-A.
Other names: c.4753C>T, p.Pro1585Ser (NM_001410705.1); short protein forms P1541S, P1585S.
Identifiers: ClinVar variation 3392702 (VCV003392702.1).

ClinVar aggregate classification (germline): Uncertain significance (1 of 4 stars; one submission).

Submission:

GeneDx
Classification: Uncertain significance. Last evaluated: 2024-06-24. Review status: criteria provided, single submitter. Criteria: GeneDx Variant Classification Process June 2021. Collection method: clinical testing. Allele origin: germline. Affected: yes.
Comment: Not observed at significant frequency in large population cohorts (gnomAD); In silico analysis indicates that this missense variant does not alter protein structure/function; Has not been previously published as pathogenic or benign to our knowledge